The following is an entry in ClinVar:

ClinVar aggregate classification (germline): Uncertain significance (1 of 4 stars; one submission).

Conditions:
PLEC-related disorder. Also called: PLEC-related condition; PLEC-related disorders.

Submission:

PreventionGenetics, part of Exact Sciences
Classification: Uncertain significance for PLEC-related condition. Last evaluated: 2026-07-02. Review status: criteria provided, single submitter. Criteria: ACMG Guidelines, 2015. Collection method: clinical testing. Allele origin: germline.
Comment: The PLEC c.34G>A variant is predicted to result in the amino acid substitution p.Glu12Lys. In an alternative transcript (NM_201384) this variant is described as c.34G>A (p.Glu12Lys). To our knowledge, this variant has not been reported in the literature. This variant is reported in 0.085% of alleles in individuals of Latino descent in gnomAD. Although we suspect that this variant may be benign, at this time, the clinical significance of this variant is uncertain due to the absence of conclusive functional and genetic evidence.

NM_201384.3(PLEC):c.34G>A (p.Glu12Lys)

Genes: PLEC (plectin; minus strand), LOC130001338 (ATAC-STARR-seq lymphoblastoid active region 28078; plus strand). Cytogenetic location: 8q24.3.
Variant type: single nucleotide variant.
Coding change: c.34G>A on transcript NM_201384.3 (MANE Select); coding-DNA position 34, G replaced by A.
Protein change: p.Glu12Lys; replaces glutamic acid 12 with lysine.
Molecular consequence: missense variant. On other transcripts: intron variant (8).
Genome position (GRCh38, 1-based): chr8:143,939,428, C>T on the plus strand (G>A on the coding strand, the complement: PLEC is on the minus strand). VCF-style: chr8-143939428-C-T. GRCh37 (hg19) VCF-style: chr8-145013596-C-T.
Other names: c.194-736G>A (NM_001410941.1, NM_000445.5); c.71-736G>A (NM_201378.4); c.47-736G>A (NM_201379.3); c.524-736G>A (NM_201380.4); c.17-736G>A (NM_201381.3); c.113-736G>A (NM_201382.4); c.125-736G>A (NM_201383.3); short protein forms E12K.
Identifiers: ClinVar variation 4978520 (VCV004978520.1).
Genomic context (GRCh38, chr8:143,939,428, plus strand): 5'-CCCTGAGCACAGCCAGGTACAGGTTGTCCTCCGAGCTGGTTCTCTTTCGGCCCAGGCCCT[C>T]GGGCTGCGGCACGCGGAGCTGGTGCTGAGACATGCTGCCCCCACACCTTCGTCGCCCGGA-3'
Protein context (NP_958786.1, residues 2-22): SQHQLRVPQP[Glu12Lys]GLGRKRTSSE